The following is an entry in ClinVar:

NM_003076.5(SMARCD1):c.1036-4A>G

Gene: SMARCD1 (SWI/SNF related BAF chromatin remodeling complex subunit D1; plus strand). Cytogenetic location: 12q13.12.
Variant type: single nucleotide variant.
Coding change: c.1036-4A>G on transcript NM_003076.5 (MANE Select); 4 bases into the intron before coding-DNA position 1036, A replaced by G.
Molecular consequence: intron variant.
Genome position (GRCh38, 1-based): chr12:50,090,489, A>G. VCF-style: chr12-50090489-A-G. GRCh37 (hg19) VCF-style: chr12-50484272-A-G.
Other names: c.1036-4A>G (NM_139071.3).
Identifiers: ClinVar variation 2498558 (VCV002498558.29), dbSNP rs375410048, ClinGen allele CA6561248.

ClinVar aggregate classification (germline): Likely benign. Review status: criteria provided, multiple submitters, no conflicts (2 of 4 stars). 2 submissions from 2 submitters: Likely benign (2). Last evaluated 2024-11-18.

Allele frequency attached by ClinVar (database versions not stated): ESP Exome Variant Server 0.00015; TOPMed 0.00023; gnomAD 0.00032; gnomAD exomes 0.00056; ExAC 0.00094; 1000 Genomes Project 30x 0.00172; 1000 Genomes Project 0.00200.
gnomAD v4.1: 874 of 1,613,960 alleles (0.054%); highest among the groups gnomAD compares: South Asian, 0.54%; 6 homozygotes.

Submissions (2):

Blueprint Genetics
Classification: Likely benign. Last evaluated: 2024-11-18. Review status: criteria provided, single submitter. Criteria: ACMG Guidelines, 2015. Collection method: clinical testing. Allele origin: germline.

CeGaT Center for Human Genetics Tuebingen
Classification: Likely benign. Last evaluated: 2023-03-01. Review status: criteria provided, single submitter. Criteria: CeGaT Center For Human Genetics Tuebingen Variant Classification Criteria Version 2. Collection method: clinical testing. Allele origin: germline. Affected: yes. Observed: 3 variant alleles.
Comment: SMARCD1: BP4, BS2